The following is an entry in ClinVar:

ClinVar aggregate classification (germline): Uncertain significance (1 of 4 stars; one submission).

Submission:

Labcorp Genetics (formerly Invitae), Labcorp
Classification: Uncertain significance. Last evaluated: 2026-01-04. Review status: criteria provided, single submitter. Criteria: Invitae Variant Classification Sherloc (09022015). Collection method: clinical testing. Allele origin: germline.
Comment: This sequence change replaces serine, which is neutral and polar, with tyrosine, which is neutral and polar, at codon 31 of the ZNF469 protein (p.Ser31Tyr). This variant is not present in population databases (gnomAD no frequency). This variant has not been reported in the literature in individuals affected with ZNF469-related conditions. An algorithm developed to predict the effect of missense changes on protein structure and function (PolyPhen-2) suggests that this variant is likely to be tolerated. In summary, the available evidence is currently insufficient to determine the role of this variant in disease. Therefore, it has been classified as a Variant of Uncertain Significance.

NM_001367624.2(ZNF469):c.92C>A (p.Ser31Tyr)

Gene: ZNF469 (zinc finger protein 469; plus strand). Cytogenetic location: 16q24.2.
Variant type: single nucleotide variant.
Coding change: c.92C>A on transcript NM_001367624.2 (MANE Select); coding-DNA position 92, C replaced by A.
Protein change: p.Ser31Tyr; replaces serine 31 with tyrosine.
Molecular consequence: missense variant.
Genome position (GRCh38, 1-based): chr16:88,427,562, C>A. VCF-style: chr16-88427562-C-A. GRCh37 (hg19) VCF-style: chr16-88493970-C-A.
Other names: short protein forms S31Y.
Identifiers: ClinVar variation 4726976 (VCV004726976.1).